The following is an entry in ClinVar:

NM_004380.3(CREBBP):c.355G>T (p.Gly119Cys)

Gene: CREBBP (CREB binding lysine acetyltransferase; minus strand). Cytogenetic location: 16p13.3.
Variant type: single nucleotide variant.
Coding change: c.355G>T on transcript NM_004380.3 (MANE Select); coding-DNA position 355, G replaced by T.
Protein change: p.Gly119Cys; replaces glycine 119 with cysteine.
Molecular consequence: missense variant.
Genome position (GRCh38, 1-based): chr16:3,850,740, C>A on the plus strand (G>T on the coding strand, the complement: CREBBP is on the minus strand). VCF-style: chr16-3850740-C-A. GRCh37 (hg19) VCF-style: chr16-3900741-C-A.
Other names: c.355G>T, p.Gly119Cys (NM_001079846.1); short protein forms G119C.
Identifiers: ClinVar variation 4996931 (VCV004996931.1).

ClinVar aggregate classification (germline): Uncertain significance (1 of 4 stars; one submission).

Conditions:
CREBBP-related disorder. Also called: CREBBP-related condition; CREBBP-related disorders.

Submission:

PreventionGenetics, part of Exact Sciences
Classification: Uncertain significance for CREBBP-related condition. Last evaluated: 2026-07-24. Review status: criteria provided, single submitter. Criteria: ACMG Guidelines, 2015. Collection method: clinical testing. Allele origin: germline.
Comment: The CREBBP c.355G>T variant is predicted to result in the amino acid substitution p.Gly119Cys. To our knowledge, this variant has not been reported in the literature or in a large population database (gnomAD), indicating this variant is rare. At this time, the clinical significance of this variant is uncertain due to the absence of conclusive functional and genetic evidence.